The following is an entry in ClinVar:

ClinVar aggregate classification (germline): Uncertain significance (1 of 4 stars; one submission).

Submission:

Labcorp Genetics (formerly Invitae), Labcorp
Classification: Uncertain significance. Last evaluated: 2024-10-26. Review status: criteria provided, single submitter. Criteria: Invitae Variant Classification Sherloc (09022015). Collection method: clinical testing. Allele origin: germline.
Comment: This sequence change creates a premature translational stop signal (p.Ala2440_Arg2442delinsTrpLeuCys) in the CEP250 gene. While this is not anticipated to result in nonsense mediated decay, it is expected to disrupt the last 3 amino acid(s) of the CEP250 protein. This variant is not present in population databases (gnomAD no frequency). This variant has not been reported in the literature in individuals affected with CEP250-related conditions. ClinVar contains an entry for this variant (Variation ID: 1449233). Experimental studies and prediction algorithms are not available or were not evaluated, and the functional significance of this variant is currently unknown. In summary, the available evidence is currently insufficient to determine the role of this variant in disease. Therefore, it has been classified as a Variant of Uncertain Significance.

NM_007186.6(CEP250):c.7318_*87del (p.Ala2440_Ter2443del)

Gene: CEP250 (centrosomal protein 250; plus strand). Cytogenetic location: 20q11.22.
Variant type: Deletion.
Coding change: c.7318_*87del on transcript NM_007186.6 (MANE Select); coding-DNA position 7318 through 87 bases downstream of the stop codon, 99 bases deleted.
Protein change: p.Ala2440_Ter2443del.
Molecular consequence: stop lost, inframe deletion.
Genome position (GRCh38, 1-based): chr20:35,511,615-35,511,713, 99 bases deleted. GRCh37 (hg19): chr20:34,099,444-34,099,542.
Other names: c.5422_*87del, p.Ala1808_Ter1811del (NM_001318219.1).
Identifiers: ClinVar variation 1449233 (VCV001449233.6), dbSNP rs2147242153, ClinGen allele CA2573157072.